The following is an entry in ClinVar:

ClinVar aggregate classification (germline): Uncertain significance (1 of 4 stars; one submission).

Allele frequency attached by ClinVar (database versions not stated): gnomAD exomes below 0.00001; gnomAD 0.00001.
gnomAD v4.1: 3 of 1,614,010 alleles (0.00019%); highest among the groups gnomAD compares: African/African-American, 0.0027%; no homozygotes.

Submission:

Labcorp Genetics (formerly Invitae), Labcorp
Classification: Uncertain significance. Last evaluated: 2023-03-14. Review status: criteria provided, single submitter. Criteria: Invitae Variant Classification Sherloc (09022015). Collection method: clinical testing. Allele origin: germline.
Comment: In summary, the available evidence is currently insufficient to determine the role of this variant in disease. Therefore, it has been classified as a Variant of Uncertain Significance. Advanced modeling of protein sequence and biophysical properties (such as structural, functional, and spatial information, amino acid conservation, physicochemical variation, residue mobility, and thermodynamic stability) performed at Invitae indicates that this missense variant is not expected to disrupt DSG1 protein function. This variant has not been reported in the literature in individuals affected with DSG1-related conditions. This variant is not present in population databases (gnomAD no frequency). This sequence change replaces aspartic acid, which is acidic and polar, with glycine, which is neutral and non-polar, at codon 542 of the DSG1 protein (p.Asp542Gly).

NM_001942.4(DSG1):c.1625A>G (p.Asp542Gly)

Gene: DSG1 (desmoglein 1; plus strand). Cytogenetic location: 18q12.1.
Variant type: single nucleotide variant.
Coding change: c.1625A>G on transcript NM_001942.4 (MANE Select); coding-DNA position 1625, A replaced by G.
Protein change: p.Asp542Gly; replaces aspartic acid 542 with glycine.
Molecular consequence: missense variant.
Genome position (GRCh38, 1-based): chr18:31,339,963, A>G. VCF-style: chr18-31339963-A-G. GRCh37 (hg19) VCF-style: chr18-28919926-A-G.
Other names: short protein forms D542G.
Identifiers: ClinVar variation 2785298 (VCV002785298.3), dbSNP rs926042454, ClinGen allele CA297695671.
Genomic context (GRCh38, chr18:31,339,963, plus strand): 5'-CTGACTCTAGCCAAGTATATTCTTCTGAACCCGGAAACGGAGCCAAAGATTTGTTATCAG[A>G]CAATGTACATTTTGGTCCTGCTGGCATTGGACTCCTCATCATGGGATTCTTGGTCTTAGG-3'
Protein context (NP_001933.2, residues 532-552): PGNGAKDLLS[Asp542Gly]NVHFGPAGIG